The following is an entry in ClinVar:

NM_015100.4(POGZ):c.3769T>C (p.Cys1257Arg)

Gene: POGZ (pogo transposable element derived with ZNF domain; minus strand). Cytogenetic location: 1q21.3.
Variant type: single nucleotide variant.
Coding change: c.3769T>C on transcript NM_015100.4 (MANE Select); coding-DNA position 3769, T replaced by C.
Protein change: p.Cys1257Arg; replaces cysteine 1257 with arginine.
Molecular consequence: missense variant.
Genome position (GRCh38, 1-based): chr1:151,405,266, A>G on the plus strand (T>C on the coding strand, the complement: POGZ is on the minus strand). VCF-style: chr1-151405266-A-G. GRCh37 (hg19) VCF-style: chr1-151377742-A-G.
Other names: c.3742T>C, p.Cys1248Arg (NM_001194937.2); c.3583T>C, p.Cys1195Arg (NM_001194938.2); c.3790T>C, p.Cys1264Arg (NM_001410860.1); c.3484T>C, p.Cys1162Arg (NM_145796.4); c.3610T>C, p.Cys1204Arg (NM_207171.2); short protein forms C1248R, C1257R, C1264R, C1195R, C1204R, C1162R.
Identifiers: ClinVar variation 3393868 (VCV003393868.2).

ClinVar aggregate classification (germline): Uncertain significance. Review status: criteria provided, multiple submitters, no conflicts (2 of 4 stars). 2 submissions from 2 submitters: Uncertain significance (2). Last evaluated 2024-07-05.

Submissions (2):

GeneDx
Classification: Uncertain significance. Last evaluated: 2024-07-05. Review status: criteria provided, single submitter. Criteria: GeneDx Variant Classification Process June 2021. Collection method: clinical testing. Allele origin: germline. Affected: yes.
Comment: De novo variant with confirmed parentage in a patient with a developmental disorder in published literature; however, detailed clinical information was not provided (PMID: 33057194); Not observed at significant frequency in large population cohorts (gnomAD); In silico analysis supports that this missense variant has a deleterious effect on protein structure/function; This variant is associated with the following publications: (PMID: 35982159, 33057194)

Blueprint Genetics
Classification: Uncertain significance. Last evaluated: 2021-11-22. Review status: criteria provided, single submitter. Criteria: ACMG Guidelines, 2015. Collection method: clinical testing. Allele origin: germline.